The following is an entry in ClinVar:

ClinVar aggregate classification (germline): Conflicting classifications of pathogenicity. Review status: criteria provided, conflicting classifications (1 of 4 stars). 3 submissions from 3 submitters: Uncertain significance (1); Likely benign (2). Last evaluated 2024-11-19.

Conditions:
Hereditary cancer-predisposing syndrome. Also called: Neoplastic Syndromes, Hereditary; Hereditary Cancer Syndrome; Tumor predisposition; Hereditary neoplastic syndrome. Identifiers: Orphanet 140162, MedGen C0027672, MeSH D009386, MONDO:0015356.
Hereditary breast ovarian cancer syndrome. Also called: Breast and ovarian cancer; Hereditary breast and ovarian cancer; Hereditary breast and ovarian cancer syndrome; Hereditary breast and ovarian cancer syndrome (HBOC); BRCA1- and BRCA2-Associated Hereditary Breast and Ovarian Cancer; Hereditary breast and/or ovarian cancer syndrome. Identifiers: Orphanet 145, MedGen C0677776, MeSH D061325, MONDO:0003582. Disease mechanism: loss of function.

Submissions (3):

Quest Diagnostics Nichols Institute San Juan Capistrano
Classification: Uncertain significance. Last evaluated: 2024-11-19. Review status: criteria provided, single submitter. Criteria: Quest Diagnostics criteria. Collection method: clinical testing. Allele origin: unknown.
Comment: The BRCA2 c.5037T>G (p.Thr1679=) synonymous variant has not been reported in individuals with BRCA2-related conditions in the published literature. It also has not been reported in large, multi-ethnic general populations (Genome Aggregation Database). Analysis of this variant using software algorithms for the prediction of the effect of nucleotide changes on splicing yielded predictions that this variant does not affect BRCA2 mRNA splicing. Based on the available information, we are unable to determine the clinical significance of this variant.

Ambry Genetics
Classification: Likely benign for Hereditary cancer-predisposing syndrome. Last evaluated: 2024-09-30. Review status: criteria provided, single submitter. Criteria: Ambry Variant Classification Scheme 2023. Collection method: clinical testing. Allele origin: germline.

Labcorp Genetics (formerly Invitae), Labcorp
Classification: Likely benign for Hereditary breast ovarian cancer syndrome. Last evaluated: 2024-02-17. Review status: criteria provided, single submitter. Criteria: Invitae Variant Classification Sherloc (09022015). Collection method: clinical testing. Allele origin: germline.

NM_000059.4(BRCA2):c.5037T>G (p.Thr1679=)

Gene: BRCA2 (BRCA2 DNA repair associated; plus strand). Cytogenetic location: 13q13.1.
Variant type: single nucleotide variant.
Coding change: c.5037T>G on transcript NM_000059.4 (MANE Select); coding-DNA position 5037, T replaced by G.
Protein change: p.Thr1679=; no amino-acid change (threonine 1679 retained).
Molecular consequence: synonymous variant.
Genome position (GRCh38, 1-based): chr13:32,339,392, T>G. VCF-style: chr13-32339392-T-G. GRCh37 (hg19) VCF-style: chr13-32913529-T-G.
Other names: c.5037T>G (NM_000059.3).
Identifiers: ClinVar variation 1476418 (VCV001476418.10), dbSNP rs1593904213, ClinGen allele CA483438401.